The following is an entry in ClinVar:

NM_014014.5(SNRNP200):c.2984A>G (p.Asn995Ser)

Gene: SNRNP200 (small nuclear ribonucleoprotein U5 subunit 200; minus strand). Cytogenetic location: 2q11.2.
Variant type: single nucleotide variant.
Coding change: c.2984A>G on transcript NM_014014.5 (MANE Select); coding-DNA position 2984, A replaced by G.
Protein change: p.Asn995Ser; replaces asparagine 995 with serine.
Molecular consequence: missense variant.
Genome position (GRCh38, 1-based): chr2:96,289,336, T>C on the plus strand (A>G on the coding strand, the complement: SNRNP200 is on the minus strand). VCF-style: chr2-96289336-T-C. GRCh37 (hg19) VCF-style: chr2-96955074-T-C.
Other names: short protein forms N995S.
Identifiers: ClinVar variation 938392 (VCV000938392.12), dbSNP rs143494993, ClinGen allele CA1778578.

ClinVar aggregate classification (germline): Conflicting classifications of pathogenicity. Review status: criteria provided, conflicting classifications (1 of 4 stars). 4 submissions from 4 submitters: Uncertain significance (2); Benign (1); Likely benign (1). Last evaluated 2025-09-08.

Conditions:
Retinal dystrophy. Also called: Inherited retinal dystrophy. Identifiers: Orphanet 71862, MedGen C0854723, MeSH D058499, MONDO:0019118, HP:0000556.
SNRNP200-related disorder. Also called: SNRNP200-related condition.

Allele frequency attached by ClinVar (database versions not stated): gnomAD exomes 0.00007 and 0.00010; ExAC 0.00010; gnomAD 0.00010 and 0.00011; TOPMed 0.00015; ESP Exome Variant Server 0.00031.
gnomAD v4.1: 116 of 1,614,028 alleles (0.0072%); highest among the groups gnomAD compares: Middle Eastern, 0.016%; no homozygotes.

Submissions (4):

Labcorp Genetics (formerly Invitae), Labcorp
Classification: Likely benign. Last evaluated: 2025-09-08. Review status: criteria provided, single submitter. Criteria: Invitae Variant Classification Sherloc (09022015). Collection method: clinical testing. Allele origin: germline.

PreventionGenetics, part of Exact Sciences
Classification: Uncertain significance for SNRNP200-related condition. Last evaluated: 2024-12-26. Review status: criteria provided, single submitter. Criteria: ACMG Guidelines, 2015. Collection method: clinical testing. Allele origin: germline.
Comment: The SNRNP200 c.2984A>G variant is predicted to result in the amino acid substitution p.Asn995Ser. To our knowledge, this variant has not been reported in the literature. This variant is reported in 0.028% of alleles in individuals of African descent in gnomAD. Although we suspect that this variant may be benign, at this time, the clinical significance of this variant is uncertain due to the absence of conclusive functional and genetic evidence.

Blueprint Genetics
Classification: Uncertain significance. Last evaluated: 2024-09-03. Review status: criteria provided, single submitter. Criteria: ACMG Guidelines, 2015. Collection method: clinical testing. Allele origin: germline.

Dept Of Ophthalmology, Nagoya University
Classification: Benign for Retinal dystrophy. Last evaluated: 2023-10-01. Review status: criteria provided, single submitter. Criteria: Submitter's publication. Collection method: research. Allele origin: germline. Affected: yes.